The following is an entry in ClinVar:

ClinVar aggregate classification (germline): Uncertain significance (1 of 4 stars; one submission).

gnomAD v4.1: 1 of 1,610,088 alleles (0.000062%); highest among the groups gnomAD compares: Non-Finnish European, 0.000085%; no homozygotes.

Submission:

GeneDx
Classification: Uncertain significance. Last evaluated: 2024-04-08. Review status: criteria provided, single submitter. Criteria: GeneDx Variant Classification Process June 2021. Collection method: clinical testing. Allele origin: germline. Affected: yes.
Comment: Not observed at significant frequency in large population cohorts (gnomAD); In silico analysis indicates that this missense variant does not alter protein structure/function; Has not been previously published as pathogenic or benign to our knowledge

NM_212482.4(FN1):c.4343G>A (p.Gly1448Asp)

Gene: FN1 (fibronectin 1; minus strand). Cytogenetic location: 2q35.
Variant type: single nucleotide variant.
Coding change: c.4343G>A on transcript NM_212482.4 (MANE Select); coding-DNA position 4343, G replaced by A.
Protein change: p.Gly1448Asp; replaces glycine 1448 with aspartic acid.
Molecular consequence: missense variant.
Genome position (GRCh38, 1-based): chr2:215,386,958, C>T on the plus strand (G>A on the coding strand, the complement: FN1 is on the minus strand). VCF-style: chr2-215386958-C-T. GRCh37 (hg19) VCF-style: chr2-216251681-C-T.
Other names: c.4343G>A, p.Gly1448Asp (NM_001306129.2, NM_001306130.2, NM_001365517.2 and 3 more transcripts); c.4070G>A, p.Gly1357Asp (NM_001306131.2, NM_001306132.2, NM_001365518.2 and 7 more transcripts); short protein forms G1357D, G1448D.
Identifiers: ClinVar variation 3371090 (VCV003371090.1).